The following is an entry in ClinVar:

NM_000257.4(MYH7):c.676G>A (p.Ala226Thr)

Gene: MYH7 (myosin heavy chain 7; minus strand). Cytogenetic location: 14q11.2.
Variant type: single nucleotide variant.
Coding change: c.676G>A on transcript NM_000257.4 (MANE Select); coding-DNA position 676, G replaced by A.
Protein change: p.Ala226Thr; replaces alanine 226 with threonine.
Molecular consequence: missense variant.
Genome position (GRCh38, 1-based): chr14:23,431,641, C>T on the plus strand (G>A on the coding strand, the complement: MYH7 is on the minus strand). VCF-style: chr14-23431641-C-T. GRCh37 (hg19) VCF-style: chr14-23900850-C-T.
Other names: c.676G>A (LRG_384t1); short protein forms A226T.
Identifiers: ClinVar variation 372429 (VCV000372429.16), dbSNP rs1057517773, ClinGen allele CA16042915.

ClinVar aggregate classification (germline): Conflicting classifications of pathogenicity. Review status: criteria provided, conflicting classifications (1 of 4 stars). 5 submissions from 5 submitters: Pathogenic (1); Likely pathogenic (1); Uncertain significance (3). Last evaluated 2025-09-11.

Conditions:
Hypertrophic cardiomyopathy. Also called: HYPERTROPHIC MYOCARDIOPATHY. Identifiers: Orphanet 217569, MedGen C0007194, MeSH D002312, MONDO:0005045, HP:0001639.
Cardiovascular phenotype. Identifiers: MedGen CN230736.
Cardiomyopathy (CMYO). Also called: Cardiomyopathies. Identifiers: Orphanet 167848, MedGen C0878544, MONDO:0004994, HP:0001638. Inheritance: Various modes of inheritance.

Submissions (5):

Color Diagnostics, LLC DBA Color Health
Classification: Uncertain significance for Cardiomyopathy. Last evaluated: 2025-09-11. Review status: criteria provided, single submitter. Criteria: ACMG Guidelines, 2015. Collection method: clinical testing. Allele origin: germline.
Comment: This missense variant replaces alanine with threonine at codon 226 of the MYH7 protein. Computational prediction is inconclusive regarding the impact of this variant on protein structure and function. To our knowledge, functional studies have not been reported for this variant. This variant has been reported in several individuals affected with hypertrophic cardiomyopathy (PMID: 26656175, 27483260ClinVar SCV002666512.2, SCV000546192.10). This variant has not been identified in the general population by the Genome Aggregation Database (gnomAD). The available evidence is insufficient to determine the role of this variant in disease conclusively. Therefore, this variant is classified as a Variant of Uncertain Significance.

Labcorp Genetics (formerly Invitae), Labcorp
Classification: Pathogenic for Hypertrophic cardiomyopathy. Last evaluated: 2025-07-13. Review status: criteria provided, single submitter. Criteria: Invitae Variant Classification Sherloc (09022015). Collection method: clinical testing. Allele origin: germline.
Comment: This sequence change replaces alanine, which is neutral and non-polar, with threonine, which is neutral and polar, at codon 226 of the MYH7 protein (p.Ala226Thr). This variant is not present in population databases (gnomAD no frequency). This missense change has been observed in individuals with clinical features of hypertrophic cardiomyopathy (internal data). ClinVar contains an entry for this variant (Variation ID: 372429). Invitae Evidence Modeling of protein sequence and biophysical properties (such as structural, functional, and spatial information, amino acid conservation, physicochemical variation, residue mobility, and thermodynamic stability) indicates that this missense variant is expected to disrupt MYH7 protein function with a positive predictive value of 95%. This variant disrupts the p.Ala226 amino acid residue in MYH7. Other variant(s) that disrupt this residue have been determined to be pathogenic (PMID: 27247418, 27532257; internal data). This suggests that this residue is clinically significant, and that variants that disrupt this residue are likely to be disease-causing. For these reasons, this variant has been classified as Pathogenic.

Ambry Genetics
Classification: Likely pathogenic for Cardiovascular phenotype. Last evaluated: 2024-03-06. Review status: criteria provided, single submitter. Criteria: Ambry Variant Classification Scheme 2023. Collection method: clinical testing. Allele origin: germline.
Comment: The p.A226T variant (also known as c.676G>A), located in coding exon 6 of the MYH7 gene, results from a G to A substitution at nucleotide position 676. The alanine at codon 226 is replaced by threonine, an amino acid with similar properties. This alteration is located in the myosin head domain, which contains a statistically significant clustering of pathogenic missense variants (Homburger JR et al. Proc Natl Acad Sci U S A, 2016 06;113:6701-6; Walsh R et al. Genet Med, 2017 02;19:192-203; Ambry internal data). In addition, this alteration has been described in multiple individuals with hypertrophic cardiomyopathy (HCM) (Bottillo I et al. Gene. 2016;577:227-35; Rubattu S et al. Int J Mol Sci, 2016 Jul;17; Ambry internal data; external communication). Another alteration involving the same amino acid, p.A226V (c.677C>T), has also been reported in a HCM cohort (Homburger JR et al. Proc Natl Acad Sci U.S.A. 2016 06;113:6701-6). This variant is considered to be rare based on population cohorts in the Genome Aggregation Database (gnomAD). This amino acid position is well conserved in available vertebrate species. In addition, the in silico prediction for this alteration is inconclusive. Based on the majority of available evidence to date, this variant is likely to be pathogenic.

Stanford Center for Inherited Cardiovascular Disease, Stanford University
Classification: Uncertain significance. Last evaluated: 2017-02-27. Review status: criteria provided, single submitter. Criteria: ACMG Guidelines, 2015. Collection method: provider interpretation. Allele origin: germline.

GeneDx
Classification: Uncertain significance. Last evaluated: 2016-07-19. Review status: criteria provided, single submitter. Criteria: GeneDx Variant Classification (06012015). Collection method: clinical testing. Allele origin: germline. Affected: yes.
Comment: The A226T variant of uncertain significance has been identified in the MYH7 gene. A226T has previously been reported in association with HCM (Bottillo et al., 2016a). This variant was not observed in approximately 6,500 individuals of European and African American ancestry in the NHLBI Exome Sequencing Project, indicating it is not a common benign variant in these populations. The A226T variant is a non-conservative amino acid substitution, which is likely to impact secondary protein structure as these residues differ in polarity, charge, size and/or other properties. This substitution occurs at a position that is conserved in mammals. Missense variants in nearby residues (Q222K, A223T, L227V) have been reported in the Human Gene Mutation Database in association with cardiomyopathy (Stenson et al., 2014); however, the pathogenicity of these variants has not been definitively determined. Furthermore, in silico analysis is inconsistent in its predictions as to whether or not the variant is damaging to the protein structure/function. Nevertheless, computational analysis by Bottillo et al. (2016b) predicted that A226T causes steric hindrance, which may lead to functional consequences.Therefore, based on the currently available information, it is unclear whether this variant is pathogenic or benign.

Literature cited by the submitters: PubMed 26656175 (cited by Color Diagnostics, LLC DBA Color Health and Ambry Genetics); PubMed 27483260 (cited by Color Diagnostics, LLC DBA Color Health and Ambry Genetics); PubMed 27247418 (cited by Labcorp Genetics (formerly Invitae), Labcorp and Ambry Genetics); PubMed 27532257 (cited by Labcorp Genetics (formerly Invitae), Labcorp); PubMed 27054166 (cited by Ambry Genetics); PubMed 27600940 (cited by Ambry Genetics).